The following is an entry in ClinVar:

NM_001429.4(EP300):c.1969A>T (p.Met657Leu)

Gene: EP300 (EP300 lysine acetyltransferase; plus strand). Cytogenetic location: 22q13.2.
Variant type: single nucleotide variant.
Coding change: c.1969A>T on transcript NM_001429.4 (MANE Select); coding-DNA position 1969, A replaced by T.
Protein change: p.Met657Leu; replaces methionine 657 with leucine.
Molecular consequence: missense variant.
Genome position (GRCh38, 1-based): chr22:41,141,138, A>T. VCF-style: chr22-41141138-A-T. GRCh37 (hg19) VCF-style: chr22-41537142-A-T.
Other names: c.1969A>T, p.Met657Leu (NM_001362843.2); short protein forms M657L.
Identifiers: ClinVar variation 4997760 (VCV004997760.1).

ClinVar aggregate classification (germline): Uncertain significance (1 of 4 stars; one submission).

Conditions:
EP300-related disorder. Also called: EP300-related condition; EP300-related disorders.

Submission:

PreventionGenetics, part of Exact Sciences
Classification: Uncertain significance for EP300-related condition. Last evaluated: 2025-03-30. Review status: criteria provided, single submitter. Criteria: ACMG Guidelines, 2015. Collection method: clinical testing. Allele origin: germline.
Comment: The EP300 c.1969A>T variant is predicted to result in the amino acid substitution p.Met657Leu. To our knowledge, this variant has not been reported in the literature or in a large population database (gnomAD), indicating this variant is rare. At this time, the clinical significance of this variant is uncertain due to the absence of conclusive functional and genetic evidence.